The following is an entry in ClinVar:

ClinVar aggregate classification (germline): Uncertain significance (1 of 4 stars; one submission).

Conditions:
Ehlers-Danlos syndrome, classic type, 1 (EDSCL1). Also called: EHLERS-DANLOS SYNDROME, GRAVIS TYPE; EHLERS-DANLOS SYNDROME, SEVERE CLASSIC TYPE; Ehlers-Danlos syndrome, type 1; Ehlers-Danlos Syndrome, Classic Type, COL5A1-Related; EDS I. Identifiers: MedGen C0268335, MONDO:0019567, OMIM 130000.
Osteogenesis imperfecta type I (OI1). Also called: OI, TYPE I; OSTEOGENESIS IMPERFECTA TARDA; OSTEOGENESIS IMPERFECTA WITH BLUE SCLERAE; Osteogenesis imperfecta type 1; Lobstein's Disease; Lobstein disease. Identifiers: Orphanet 216796, Orphanet 666, MedGen C0023931, MONDO:0008146, OMIM 166200. Disease mechanism: loss of function.

Allele frequency attached by ClinVar (database versions not stated): TOPMed 0.00001.
gnomAD v4.1: 1 of 1,614,122 alleles (0.000062%); no homozygotes.

Submission:

Labcorp Genetics (formerly Invitae), Labcorp
Classification: Uncertain significance for Osteogenesis imperfecta type I; Ehlers-Danlos syndrome, classic type, 1. Last evaluated: 2021-06-05. Review status: criteria provided, single submitter. Criteria: Invitae Variant Classification Sherloc (09022015). Collection method: clinical testing. Allele origin: germline.
Comment: Algorithms developed to predict the effect of missense changes on protein structure and function are either unavailable or do not agree on the potential impact of this missense change (SIFT: "Deleterious"; PolyPhen-2: "Not Available"; Align-GVGD: "Class C15"). This sequence change replaces aspartic acid with tyrosine at codon 1196 of the COL1A2 protein (p.Asp1196Tyr). The aspartic acid residue is highly conserved and there is a large physicochemical difference between aspartic acid and tyrosine. This variant is not present in population databases (ExAC no frequency). This variant has not been reported in the literature in individuals with COL1A2-related conditions. In summary, the available evidence is currently insufficient to determine the role of this variant in disease. Therefore, it has been classified as a Variant of Uncertain Significance.

NM_000089.4(COL1A2):c.3586G>T (p.Asp1196Tyr)

Gene: COL1A2 (collagen type I alpha 2 chain; plus strand). Cytogenetic location: 7q21.3.
Variant type: single nucleotide variant.
Coding change: c.3586G>T on transcript NM_000089.4 (MANE Select); coding-DNA position 3586, G replaced by T.
Protein change: p.Asp1196Tyr; replaces aspartic acid 1196 with tyrosine.
Molecular consequence: missense variant.
Genome position (GRCh38, 1-based): chr7:94,428,352, G>T. VCF-style: chr7-94428352-G-T. GRCh37 (hg19) VCF-style: chr7-94057664-G-T.
Other names: short protein forms D1196Y.
Identifiers: ClinVar variation 1468089 (VCV001468089.8), dbSNP rs1792329797, ClinGen allele CA368226303.